The following is an entry in ClinVar:

NC_000023.10:g.(?_32466553)_(32503236_?)del

Gene: DMD (dystrophin; minus strand). Cytogenetic location: Xp21.1.
Variant type: Deletion.
Identifiers: ClinVar variation 3246232 (VCV003246232.1).

ClinVar aggregate classification (germline): Pathogenic (1 of 4 stars; one submission).

Conditions:
Duchenne muscular dystrophy (DMD). Also called: MUSCULAR DYSTROPHY, PSEUDOHYPERTROPHIC PROGRESSIVE, DUCHENNE TYPE; Duchenne Muscular Dystrophy (DMD). Identifiers: Orphanet 98896, MedGen C0013264, MONDO:0010679, OMIM 310200.

Submission:

Labcorp Genetics (formerly Invitae), Labcorp
Classification: Pathogenic for Duchenne muscular dystrophy. Last evaluated: 2023-07-27. Review status: criteria provided, single submitter. Criteria: Invitae Variant Classification Sherloc (09022015). Collection method: clinical testing. Allele origin: unknown.
Comment: This variant disrupts a region of the DMD protein in which other variant(s) (p.Gln957Pro) have been determined to be pathogenic (Invitae). This suggests that this is a clinically significant region of the protein, and that variants that disrupt it are likely to be disease-causing. This variant has not been reported in the literature in individuals affected with DMD-related conditions. This variant is a gross deletion of the genomic region encompassing exon(s) 21-27 of the DMD gene. This variant would be expected to be in-frame, preserving the integrity of the reading frame. For these reasons, this variant has been classified as Pathogenic.